The following is an entry in ClinVar:

NM_001037132.4(NRCAM):c.3440C>G (p.Ser1147Ter)

Gene: NRCAM (neuronal cell adhesion molecule; minus strand). Cytogenetic location: 7q31.1.
Variant type: single nucleotide variant.
Coding change: c.3440C>G on transcript NM_001037132.4 (MANE Select); coding-DNA position 3440, C replaced by G.
Protein change: p.Ser1147Ter; replaces serine 1147 with a stop codon.
Molecular consequence: nonsense. On other transcripts: intron variant (54), non-coding transcript variant (2).
Genome position (GRCh38, 1-based): chr7:108,166,947, G>C on the plus strand (C>G on the coding strand, the complement: NRCAM is on the minus strand). VCF-style: chr7-108166947-G-C. GRCh37 (hg19) VCF-style: chr7-107807392-G-C.
Other names: c.3392C>G, p.Ser1131Ter (NM_001371119.1); c.3383C>G, p.Ser1128Ter (NM_001371124.1, NM_001371126.1, NM_001371172.1); c.3440C>G, p.Ser1147Ter (NM_001371131.1); c.3278C>G, p.Ser1093Ter (NM_001371138.1); c.3095C>G, p.Ser1032Ter (NM_001371143.1, NM_001371164.1); c.2834-6455C>G (NM_001371148.1, NM_001371170.1, NM_001371180.1 and 1 more transcripts); c.2843-6455C>G (NM_001371125.1, NM_001371147.1); c.2195-6455C>G (NM_001371137.1); and 25 more; short protein forms S1093*, S1147*, S1150*, S1131*, S1032*, S1086*, S1116*, S1128*.
Identifiers: ClinVar variation 4795168 (VCV004795168.1).

ClinVar aggregate classification (germline): Likely pathogenic (1 of 4 stars; one submission).

Conditions:
Neurodevelopmental disorder with neuromuscular and skeletal abnormalities (NEDNMS). Identifiers: MedGen C5676965, MONDO:0859236, OMIM 619833.

gnomAD v4.1: 2 of 1,613,866 alleles (0.00012%); highest among the groups gnomAD compares: East Asian, 0.0045%; no homozygotes.

Submission:

MVZ Martinsried, Medicover Genetics
Classification: Likely pathogenic for Neurodevelopmental disorder with neuromuscular and skeletal abnormalities. Last evaluated: 2025-12-23. Review status: criteria provided, single submitter. Criteria: ClinGen Variant Curation SOP V3.2 + Classification Guidance July2025. Collection method: clinical testing. Allele origin: inherited. Observed: 1 heterozygote.
Comment: PVS1, PM2_Supporting